The following is an entry in ClinVar:

NM_001164508.2(NEB):c.4485dup (p.Asn1496Ter)

Gene: NEB (nebulin; minus strand). Cytogenetic location: 2q23.3.
Variant type: Duplication.
Coding change: c.4485dup on transcript NM_001164508.2 (MANE Select); coding-DNA position 4485, one base duplicated (T; older notation c.4485dupT).
Protein change: p.Asn1496Ter; replaces asparagine 1496 with a stop codon.
Molecular consequence: nonsense.
Genome position (GRCh38, 1-based): chr2:151,671,044, A duplicated on the plus strand (T on the coding strand, the reverse complement: NEB is on the minus strand). VCF-style (leftmost placement, unchanged base first): chr2-151671043-T-TA. GRCh37 (hg19) VCF-style: chr2-152527557-T-TA.
Other names: c.4485dup, p.Asn1496Ter (NM_001164507.2, NM_001271208.2, NM_004543.5); short protein forms N1496*.
Identifiers: ClinVar variation 1452217 (VCV001452217.6), dbSNP rs2154190331, ClinGen allele CA2573133219.

ClinVar aggregate classification (germline): Pathogenic (1 of 4 stars; one submission).

Conditions:
Nemaline myopathy 2 (NEM2). Also called: Nemaline myopathy 2, autosomal recessive. Identifiers: MedGen C1850569, MONDO:0009725, OMIM 256030.

Submission:

Labcorp Genetics (formerly Invitae), Labcorp
Classification: Pathogenic for Nemaline myopathy 2. Last evaluated: 2021-04-08. Review status: criteria provided, single submitter. Criteria: Invitae Variant Classification Sherloc (09022015). Collection method: clinical testing. Allele origin: germline.
Comment: This variant has not been reported in the literature in individuals with NEB-related conditions. For these reasons, this variant has been classified as Pathogenic. This variant is not present in population databases (ExAC no frequency). This sequence change creates a premature translational stop signal (p.Asn1496*) in the NEB gene. It is expected to result in an absent or disrupted protein product. Loss-of-function variants in NEB are known to be pathogenic (PMID: 25205138).

Literature cited by the submitters: PubMed 25205138.